The following is an entry in ClinVar:

NM_002206.3(ITGA7):c.2699A>G (p.Asn900Ser)

Gene: ITGA7 (integrin subunit alpha 7; minus strand). Cytogenetic location: 12q13.2.
Variant type: single nucleotide variant.
Coding change: c.2699A>G on transcript NM_002206.3 (MANE Select); coding-DNA position 2699, A replaced by G.
Protein change: p.Asn900Ser; replaces asparagine 900 with serine.
Molecular consequence: missense variant.
Genome position (GRCh38, 1-based): chr12:55,693,154, T>C on the plus strand (A>G on the coding strand, the complement: ITGA7 is on the minus strand). VCF-style: chr12-55693154-T-C. GRCh37 (hg19) VCF-style: chr12-56086938-T-C.
Other names: c.2711A>G, p.Asn904Ser (NM_001144996.2); c.2420A>G, p.Asn807Ser (NM_001144997.2); c.2372A>G, p.Asn791Ser (NM_001367993.1); c.1355A>G, p.Asn452Ser (NM_001367994.1); c.2681A>G, p.Asn894Ser (NM_001374465.1); c.2831A>G, p.Asn944Ser (NM_001410977.1); c.2693A>G, p.Asn898Ser (NM_001414029.1); c.2624A>G, p.Asn875Ser (NM_001414030.1); and 5 more; short protein forms N787S, N791S, N807S, N825S, N875S, N898S, N452S, N871S.
Identifiers: ClinVar variation 2119788 (VCV002119788.4), dbSNP rs2539707068, ClinGen allele CA385181491.

ClinVar aggregate classification (germline): Uncertain significance (1 of 4 stars; one submission).

Conditions:
Congenital muscular dystrophy due to integrin alpha-7 deficiency. Also called: Muscular dystrophy, congenital, due to ITGA7 deficiency; Congenital muscular dystrophy with integrin alpha-7 deficiency; MYOPATHY, CONGENITAL, DUE TO INTEGRIN ALPHA-7 DEFICIENCY. Identifiers: Orphanet 34520, MedGen C2750786, MONDO:0013177, OMIM 613204.

Allele frequency attached by ClinVar (database versions not stated): gnomAD exomes below 0.00001.

Submission:

Labcorp Genetics (formerly Invitae), Labcorp
Classification: Uncertain significance for Congenital muscular dystrophy due to integrin alpha-7 deficiency. Last evaluated: 2022-04-08. Review status: criteria provided, single submitter. Criteria: Invitae Variant Classification Sherloc (09022015). Collection method: clinical testing. Allele origin: germline.
Comment: Algorithms developed to predict the effect of missense changes on protein structure and function are either unavailable or do not agree on the potential impact of this missense change (SIFT: "Tolerated"; PolyPhen-2: "Possibly Damaging"; Align-GVGD: "Class C0"). This sequence change replaces asparagine, which is neutral and polar, with serine, which is neutral and polar, at codon 900 of the ITGA7 protein (p.Asn900Ser). This variant is not present in population databases (gnomAD no frequency). This variant has not been reported in the literature in individuals affected with ITGA7-related conditions. In summary, the available evidence is currently insufficient to determine the role of this variant in disease. Therefore, it has been classified as a Variant of Uncertain Significance.